The following is an entry in ClinVar:

NM_001130987.2(DYSF):c.477G>A (p.Arg159=)

Gene: DYSF (dysferlin; plus strand). Cytogenetic location: 2p13.2.
Variant type: single nucleotide variant.
Coding change: c.477G>A on transcript NM_001130987.2 (MANE Select); coding-DNA position 477, G replaced by A.
Protein change: p.Arg159=; no amino-acid change (arginine 159 retained).
Molecular consequence: synonymous variant. On other transcripts: intron variant (8).
Genome position (GRCh38, 1-based): chr2:71,513,256, G>A. VCF-style: chr2-71513256-G-A. GRCh37 (hg19) VCF-style: chr2-71740386-G-A.
Other names: c.474G>A, p.Arg158= (NM_001130979.2, NM_001130980.2, NM_001130981.2); c.477G>A, p.Arg159= (NM_001130982.2, NM_001130985.2); c.458-460G>A (NM_001130978.2, NM_003494.4, NM_001130977.2 and 1 more transcripts); c.461-460G>A (NM_001130983.2, NM_001130455.2, NM_001130984.2 and 1 more transcripts).
Identifiers: ClinVar variation 3257706 (VCV003257706.18).
Genomic context (GRCh38, chr2:71,513,256, plus strand): 5'-CCTCCTCCCTCCCCTCCCGGGGTTATGCCCTGCCCACAAGACAGGCGGGGGACAGAGCCG[G>A]GCCGAGACTTGGTCCCTGCTCAGTGACAGCACCATGGACACGAGATACTCTGGAAAGAAG-3'
Protein context (NP_001124459.1, residues 149-169): LDVVAGGGQS[Arg159=]AETWSLLSDS

ClinVar aggregate classification (germline): Likely benign. Review status: criteria provided, multiple submitters, no conflicts (2 of 4 stars). 2 submissions from 2 submitters: Likely benign (2). Last evaluated 2024-09-10.

gnomAD v4.1: 111 of 1,551,614 alleles (0.0072%); highest among the groups gnomAD compares: South Asian, 0.055%; 2 homozygotes.

Submissions (2):

Blueprint Genetics
Classification: Likely benign. Last evaluated: 2024-09-10. Review status: criteria provided, single submitter. Criteria: ACMG Guidelines, 2015. Collection method: clinical testing. Allele origin: germline.

CeGaT Center for Human Genetics Tuebingen
Classification: Likely benign. Last evaluated: 2024-07-01. Review status: criteria provided, single submitter. Criteria: CeGaT Center For Human Genetics Tuebingen Variant Classification Criteria Version 2. Collection method: clinical testing. Allele origin: germline. Affected: yes. Observed: 2 variant alleles.
Comment: DYSF: BP4, BP7